The following is an entry in ClinVar:

ClinVar aggregate classification (germline): Conflicting classifications of pathogenicity. Review status: criteria provided, conflicting classifications (1 of 4 stars). 2 submissions from 2 submitters: Uncertain significance (1); Benign (1). Last evaluated 2025-12-22.

Conditions:
Cardiovascular phenotype. Identifiers: MedGen CN230736.
Dilated cardiomyopathy 1DD (CMD1DD). Identifiers: Orphanet 154, MedGen C2750995, MONDO:0013168, OMIM 613172.

Allele frequency attached by ClinVar (database versions not stated): gnomAD 0.00001; TOPMed 0.00001; gnomAD exomes 0.00002; ExAC 0.00005; 1000 Genomes Project 0.00020; 1000 Genomes Project 30x 0.00031.
gnomAD v4.1: 19 of 1,324,058 alleles (0.0014%); highest among the groups gnomAD compares: South Asian, 0.0051%; no homozygotes.

Submissions (2):

Labcorp Genetics (formerly Invitae), Labcorp
Classification: Benign for Dilated cardiomyopathy 1DD. Last evaluated: 2025-12-22. Review status: criteria provided, single submitter. Criteria: Invitae Variant Classification Sherloc (09022015). Collection method: clinical testing. Allele origin: germline.

Ambry Genetics
Classification: Uncertain significance for Cardiovascular phenotype. Last evaluated: 2024-03-04. Review status: criteria provided, single submitter. Criteria: Ambry Variant Classification Scheme 2023. Collection method: clinical testing. Allele origin: germline.
Comment: The p.R1221C variant (also known as c.3661C>T), located in coding exon 14 of the RBM20 gene, results from a C to T substitution at nucleotide position 3661. The arginine at codon 1221 is replaced by cysteine, an amino acid with highly dissimilar properties. This amino acid position is conserved. In addition, this alteration is predicted to be tolerated by in silico analysis. Based on the available evidence, the clinical significance of this alteration remains unclear.

NM_001134363.3(RBM20):c.3661C>T (p.Arg1221Cys)

Gene: RBM20 (RNA binding motif protein 20; plus strand). Cytogenetic location: 10q25.2.
Variant type: single nucleotide variant.
Coding change: c.3661C>T on transcript NM_001134363.3 (MANE Select); coding-DNA position 3661, C replaced by T.
Protein change: p.Arg1221Cys; replaces arginine 1221 with cysteine.
Molecular consequence: missense variant.
Genome position (GRCh38, 1-based): chr10:110,835,955, C>T. VCF-style: chr10-110835955-C-T. GRCh37 (hg19) VCF-style: chr10-112595713-C-T.
Other names: c.3661C>T (NM_001134363.1); short protein forms R1221C.
Identifiers: ClinVar variation 1012558 (VCV001012558.16), dbSNP rs144806140, ClinGen allele CA5688815.
Genomic context (GRCh38, chr10:110,835,955, plus strand): 5'-GGCCTCAAGGAGACCGAGGGGGCAGATAGCCCGAGGCCAGAGGACAGCGGAATCGTGCCA[C>T]GCTTCGAAAGGAAAAAGCTCTGATGCTTCTGCTTCTGCTGCTACTGCTGCTGCTGCAAGG-3'
Protein context (NP_001127835.2, residues 1211-1227): PRPEDSGIVP[Arg1221Cys]FERKKL